The following is an entry in ClinVar:

NM_201384.3(PLEC):c.7172A>G (p.Glu2391Gly)

Gene: PLEC (plectin; minus strand). Cytogenetic location: 8q24.3.
Variant type: single nucleotide variant.
Coding change: c.7172A>G on transcript NM_201384.3 (MANE Select); coding-DNA position 7172, A replaced by G.
Protein change: p.Glu2391Gly; replaces glutamic acid 2391 with glycine.
Molecular consequence: missense variant.
Genome position (GRCh38, 1-based): chr8:143,922,757, T>C on the plus strand (A>G on the coding strand, the complement: PLEC is on the minus strand). VCF-style: chr8-143922757-T-C. GRCh37 (hg19) VCF-style: chr8-144996925-T-C.
Other names: c.7253A>G, p.Glu2418Gly (NM_000445.5); c.7130A>G, p.Glu2377Gly (NM_201378.4); c.7106A>G, p.Glu2369Gly (NM_201379.3); c.7583A>G, p.Glu2528Gly (NM_201380.4); c.7076A>G, p.Glu2359Gly (NM_201381.3); c.7172A>G, p.Glu2391Gly (NM_201382.4); c.7184A>G, p.Glu2395Gly (NM_201383.3); short protein forms E2359G, E2377G, E2369G, E2418G, E2395G, E2528G, E2391G.
Identifiers: ClinVar variation 1387593 (VCV001387593.6), dbSNP rs2131276867, ClinGen allele CA372529300.

ClinVar aggregate classification (germline): Uncertain significance (1 of 4 stars; one submission).

Conditions:
Epidermolysis bullosa simplex 5B, with muscular dystrophy (EBS5B). Also called: Epidermolysis bullosa simplex with muscular dystrophy; EPIDERMOLYSIS BULLOSA SIMPLEX AND LIMB-GIRDLE MUSCULAR DYSTROPHY. Identifiers: Orphanet 257, MedGen C2931072, MONDO:0009181, OMIM 226670.
Epidermolysis bullosa simplex 5C, with pyloric atresia (EBS5C). Also called: PLEC1-Related Epidermolysis Bullosa with Pyloric Atresia; PLEC-Related Epidermolysis Bullosa with Pyloric Atresia; Epidermolysis bullosa simplex with pyloric atresia. Identifiers: Orphanet 158684, MedGen C2677349, MONDO:0012807, OMIM 612138.
Autosomal recessive limb-girdle muscular dystrophy type 2Q (LGMDR17). Also called: MUSCULAR DYSTROPHY, LIMB-GIRDLE, AUTOSOMAL RECESSIVE 17. Identifiers: Orphanet 254361, MedGen C3150989, MONDO:0013390, OMIM 613723.
Epidermolysis bullosa simplex, Ogna type (EBS5A). Also called: Pidermolysis bullosa simplex 5A, Ogna type; EPIDERMOLYSIS BULLOSA SIMPLEX 5A, OGNA TYPE. Identifiers: Orphanet 79401, MedGen C0432317, MONDO:0007555, OMIM 131950.
Epidermolysis bullosa simplex with nail dystrophy (EBS5D). Identifiers: MedGen C4225309, MONDO:0014661, OMIM 616487.

Submission:

Labcorp Genetics (formerly Invitae), Labcorp
Classification: Uncertain significance for Autosomal recessive limb-girdle muscular dystrophy type 2Q; Epidermolysis bullosa simplex, Ogna type; Epidermolysis bullosa simplex with nail dystrophy; Epidermolysis bullosa simplex 5C, with pyloric atresia; Epidermolysis bullosa simplex 5B, with muscular dystrophy. Last evaluated: 2022-07-06. Review status: criteria provided, single submitter. Criteria: Invitae Variant Classification Sherloc (09022015). Collection method: clinical testing. Allele origin: germline.
Comment: This variant is not present in population databases (gnomAD no frequency). In summary, the available evidence is currently insufficient to determine the role of this variant in disease. Therefore, it has been classified as a Variant of Uncertain Significance. Algorithms developed to predict the effect of missense changes on protein structure and function (SIFT, PolyPhen-2, Align-GVGD) all suggest that this variant is likely to be disruptive. ClinVar contains an entry for this variant (Variation ID: 1387593). This variant has not been reported in the literature in individuals affected with PLEC-related conditions. This sequence change replaces glutamic acid, which is acidic and polar, with glycine, which is neutral and non-polar, at codon 2418 of the PLEC protein (p.Glu2418Gly).